The following is an entry in ClinVar:

NM_025137.4(SPG11):c.5011C>T (p.His1671Tyr)

Gene: SPG11 (SPG11 vesicle trafficking associated, spatacsin; minus strand). Cytogenetic location: 15q21.1.
Variant type: single nucleotide variant.
Coding change: c.5011C>T on transcript NM_025137.4 (MANE Select); coding-DNA position 5011, C replaced by T.
Protein change: p.His1671Tyr; replaces histidine 1671 with tyrosine.
Molecular consequence: missense variant.
Genome position (GRCh38, 1-based): chr15:44,585,746, G>A on the plus strand (C>T on the coding strand, the complement: SPG11 is on the minus strand). VCF-style: chr15-44585746-G-A. GRCh37 (hg19) VCF-style: chr15-44877944-G-A.
Other names: c.5011C>T, p.His1671Tyr (NM_001160227.2); short protein forms H1671Y.
Identifiers: ClinVar variation 842707 (VCV000842707.11), dbSNP rs141011688, ClinGen allele CA7534517.

ClinVar aggregate classification (germline): Conflicting classifications of pathogenicity. Review status: criteria provided, conflicting classifications (1 of 4 stars). 5 submissions from 3 submitters: Uncertain significance (4); Likely benign (1). Last evaluated 2026-01-21.

Conditions:
Hereditary spastic paraplegia 11. Also called: Spastic paraplegia, mental retardation and thin corpus callosum; Nakamura Osame syndrome; Autosomal recessive hereditary spastic paraplegia, mental impairment, and thin corpus callosum; SPASTIC PARAPLEGIA, AUTOSOMAL RECESSIVE, COMPLICATED, WITH THIN CORPUS CALLOSUM; SPASTIC PARAPLEGIA, AUTOSOMAL RECESSIVE, WITH MENTAL IMPAIRMENT AND THIN CORPUS CALLOSUM; Spastic Paraplegia 11. Identifiers: Orphanet 2822, MedGen C1858479, MONDO:0011445, OMIM 604360.
Amyotrophic lateral sclerosis type 5 (ALS5). Also called: AMYOTROPHIC LATERAL SCLEROSIS 5, JUVENILE. Identifiers: Orphanet 300605, MedGen C1865864, MONDO:0011196, OMIM 602099.
Charcot-Marie-Tooth disease axonal type 2X. Also called: CHARCOT-MARIE-TOOTH DISEASE, AXONAL, AUTOSOMAL RECESSIVE, TYPE 2X; CHARCOT-MARIE-TOOTH NEUROPATHY, TYPE 2X. Identifiers: Orphanet 466775, MedGen C5569024, MONDO:0014726, OMIM 616668.

Allele frequency attached by ClinVar (database versions not stated): gnomAD exomes 0.00001 and 0.00002; ExAC 0.00004; ESP Exome Variant Server 0.00008; gnomAD 0.00014 and 0.00015; 1000 Genomes Project 30x 0.00016; TOPMed 0.00017; 1000 Genomes Project 0.00020.
gnomAD v4.1: 42 of 1,613,988 alleles (0.0026%); highest among the groups gnomAD compares: African/African-American, 0.053%; no homozygotes.

Submissions (5):

Labcorp Genetics (formerly Invitae), Labcorp
Classification: Likely benign for Hereditary spastic paraplegia 11. Last evaluated: 2026-01-21. Review status: criteria provided, single submitter. Criteria: Invitae Variant Classification Sherloc (09022015). Collection method: clinical testing. Allele origin: germline.

GeneDx
Classification: Uncertain significance. Last evaluated: 2023-10-08. Review status: criteria provided, single submitter. Criteria: GeneDx Variant Classification Process June 2021. Collection method: clinical testing. Allele origin: germline. Affected: yes.
Comment: In silico analysis supports that this missense variant does not alter protein structure/function; Has not been previously published as pathogenic or benign to our knowledge

Genome-Nilou Lab
Classification: Uncertain significance for Amyotrophic lateral sclerosis type 5. Review status: criteria provided, single submitter. Criteria: ACMG Guidelines, 2015. Collection method: clinical testing. Allele origin: germline.

Genome-Nilou Lab
Classification: Uncertain significance for Charcot-Marie-Tooth disease axonal type 2X. Review status: criteria provided, single submitter. Criteria: ACMG Guidelines, 2015. Collection method: clinical testing. Allele origin: germline.

Genome-Nilou Lab
Classification: Uncertain significance for Hereditary spastic paraplegia 11. Review status: criteria provided, single submitter. Criteria: ACMG Guidelines, 2015. Collection method: clinical testing. Allele origin: germline.